The following is an entry in ClinVar:

NM_002485.5(NBN):c.263C>T (p.Ser88Phe)

Gene: NBN (nibrin; minus strand). Cytogenetic location: 8q21.3.
Variant type: single nucleotide variant.
Coding change: c.263C>T on transcript NM_002485.5 (MANE Select); coding-DNA position 263, C replaced by T.
Protein change: p.Ser88Phe; replaces serine 88 with phenylalanine.
Molecular consequence: missense variant.
Genome position (GRCh38, 1-based): chr8:89,981,432, G>A on the plus strand (C>T on the coding strand, the complement: NBN is on the minus strand). VCF-style: chr8-89981432-G-A. GRCh37 (hg19) VCF-style: chr8-90993660-G-A.
Other names: c.17C>T, p.Ser6Phe (NM_001024688.3); short protein forms S88F, S6F.
Identifiers: ClinVar variation 925449 (VCV000925449.8), dbSNP rs1812059810, ClinGen allele CA371662447.
Genomic context (GRCh38, chr8:89,981,432, plus strand): 5'-TACCTGAATTTACTTCCAAACACTCCAAAAGTAATACCATCCCCCGACTTCAAAGTTCGG[G>A]AAAAGCCATTCTGCATTTTTTCCTCATTAACAAAGGTACCATACTTAGAATTATCTTTTA-3'
Protein context (NP_002476.2, residues 78-98): VNEEKMQNGF[Ser88Phe]RTLKSGDGIT

ClinVar aggregate classification (germline): Uncertain significance. Review status: criteria provided, multiple submitters, no conflicts (2 of 4 stars). 3 submissions from 3 submitters: Uncertain significance (2). 1 of the submissions does not count toward it. Last evaluated 2022-04-08.

Conditions:
Hereditary cancer-predisposing syndrome. Also called: Hereditary Cancer Syndrome; Hereditary neoplastic syndrome; Neoplastic Syndromes, Hereditary; Tumor predisposition. Identifiers: Orphanet 140162, MedGen C0027672, MeSH D009386, MONDO:0015356.
Microcephaly, normal intelligence and immunodeficiency (NBS). Also called: Ataxia telangiectasia variant V1; IMMUNODEFICIENCY, MICROCEPHALY, AND CHROMOSOMAL INSTABILITY; SEEMANOVA SYNDROME II; Nijmegen breakage syndrome; Microcephaly with normal intelligence immunodeficiency and lymphoreticular malignancies; Nonsyndromal microcephaly autosomal recessive with normal intelligence. Identifiers: Orphanet 647, MedGen C0398791, MONDO:0009623, OMIM 251260.

Submissions (3):

Labcorp Genetics (formerly Invitae), Labcorp
Classification: Uncertain significance for Microcephaly, normal intelligence and immunodeficiency. Last evaluated: 2022-04-08. Review status: criteria provided, single submitter. Criteria: Invitae Variant Classification Sherloc (09022015). Collection method: clinical testing. Allele origin: germline.
Comment: This sequence change replaces serine, which is neutral and polar, with phenylalanine, which is neutral and non-polar, at codon 88 of the NBN protein (p.Ser88Phe). This variant is not present in population databases (gnomAD no frequency). This variant has not been reported in the literature in individuals affected with NBN-related conditions. ClinVar contains an entry for this variant (Variation ID: 925449). Algorithms developed to predict the effect of missense changes on protein structure and function are either unavailable or do not agree on the potential impact of this missense change (SIFT: "Deleterious"; PolyPhen-2: "Probably Damaging"; Align-GVGD: "Class C0"). In summary, the available evidence is currently insufficient to determine the role of this variant in disease. Therefore, it has been classified as a Variant of Uncertain Significance.

Ambry Genetics
Classification: Uncertain significance for Hereditary cancer-predisposing syndrome. Last evaluated: 2021-01-04. Review status: criteria provided, single submitter. Criteria: Ambry Variant Classification Scheme 2023. Collection method: clinical testing. Allele origin: germline.
Comment: The p.S88F variant (also known as c.263C>T), located in coding exon 3 of the NBN gene, results from a C to T substitution at nucleotide position 263. The serine at codon 88 is replaced by phenylalanine, an amino acid with highly dissimilar properties. This amino acid position is not well conserved in available vertebrate species. In addition, this alteration is predicted to be tolerated by in silico analysis. Since supporting evidence is limited at this time, the clinical significance of this alteration remains unclear.

Natera, Inc.
Classification: Uncertain significance for Nijmegen breakage syndrome. Last evaluated: 2025-01-06. Review status: no assertion criteria provided. Collection method: clinical testing. Allele origin: germline. Not counted in ClinVar's aggregate classification.